The following is an entry in ClinVar:

ClinVar aggregate classification (germline): Pathogenic (1 of 4 stars; one submission).

Conditions:
Congenital glucose-galactose malabsorption (GGM). Also called: DIARRHEA 16; MONOSACCHARIDE MALABSORPTION. Identifiers: Orphanet 35710, MedGen C0268186, MONDO:0011731, OMIM 606824.

Submission:

Labcorp Genetics (formerly Invitae), Labcorp
Classification: Pathogenic for Congenital glucose-galactose malabsorption. Last evaluated: 2022-02-27. Review status: criteria provided, single submitter. Criteria: Invitae Variant Classification Sherloc (09022015). Collection method: clinical testing. Allele origin: germline.
Comment: For these reasons, this variant has been classified as Pathogenic. This sequence change creates a premature translational stop signal (p.Leu463*) in the SLC5A1 gene. It is expected to result in an absent or disrupted protein product. Loss-of-function variants in SLC5A1 are known to be pathogenic (PMID: 8563765). This variant is not present in population databases (gnomAD no frequency). This variant has not been reported in the literature in individuals affected with SLC5A1-related conditions.

Literature cited by the submitters: PubMed 8563765.

NM_000343.4(SLC5A1):c.1388T>A (p.Leu463Ter)

Gene: SLC5A1 (solute carrier family 5 member 1; plus strand). Cytogenetic location: 22q12.3.
Variant type: single nucleotide variant.
Coding change: c.1388T>A on transcript NM_000343.4 (MANE Select); coding-DNA position 1388, T replaced by A.
Protein change: p.Leu463Ter; replaces leucine 463 with a stop codon.
Molecular consequence: nonsense.
Genome position (GRCh38, 1-based): chr22:32,099,290, T>A. VCF-style: chr22-32099290-T-A. GRCh37 (hg19) VCF-style: chr22-32495277-T-A.
Other names: c.1007T>A, p.Leu336Ter (NM_001256314.2); short protein forms L463*, L336*.
Identifiers: ClinVar variation 2103820 (VCV002103820.4), dbSNP rs2517673510, ClinGen allele CA411311761.